The following is an entry in ClinVar:

ClinVar aggregate classification (germline): Uncertain significance (1 of 4 stars; one submission).

Submission:

CeGaT Center for Human Genetics Tuebingen
Classification: Uncertain significance. Last evaluated: 2024-01-01. Review status: criteria provided, single submitter. Criteria: CeGaT Center For Human Genetics Tuebingen Variant Classification Criteria Version 2. Collection method: clinical testing. Allele origin: germline. Affected: yes. Observed: 1 variant allele.
Comment: KMT2D: PM2, BP4

NM_003482.4(KMT2D):c.2117C>T (p.Pro706Leu)

Gene: KMT2D (lysine methyltransferase 2D; minus strand). Cytogenetic location: 12q13.12.
Variant type: single nucleotide variant.
Coding change: c.2117C>T on transcript NM_003482.4 (MANE Select); coding-DNA position 2117, C replaced by T.
Protein change: p.Pro706Leu; replaces proline 706 with leucine.
Molecular consequence: missense variant.
Genome position (GRCh38, 1-based): chr12:49,051,566, G>A on the plus strand (C>T on the coding strand, the complement: KMT2D is on the minus strand). VCF-style: chr12-49051566-G-A. GRCh37 (hg19) VCF-style: chr12-49445349-G-A.
Other names: short protein forms P706L.
Identifiers: ClinVar variation 3025962 (VCV003025962.22), dbSNP rs769830738, ClinGen allele CA6548341.
Genomic context (GRCh38, chr12:49,051,566, plus strand): 5'-AACAGGGGTGACTCCTCCAGCGGCAGGGACATGAGCGAGTCCTCCGGTGGTGGGGAAGCA[G>A]GTGAGTCCTCAGGTGGTGGGGATGTGGGGGAGTCCTCAGGTGGTGGGGAGAGGCGTGAAG-3'
Protein context (NP_003473.3, residues 696-716): SPTSPPPEDS[Pro706Leu]ASPPPEDSLM